The following is an entry in ClinVar:

NM_001853.4(COL9A3):c.1915G>A (p.Gly639Ser)

Gene: COL9A3 (collagen type IX alpha 3 chain; plus strand). Cytogenetic location: 20q13.33.
Variant type: single nucleotide variant.
Coding change: c.1915G>A on transcript NM_001853.4 (MANE Select); coding-DNA position 1915, G replaced by A.
Protein change: p.Gly639Ser; replaces glycine 639 with serine.
Molecular consequence: missense variant.
Genome position (GRCh38, 1-based): chr20:62,840,592, G>A. VCF-style: chr20-62840592-G-A. GRCh37 (hg19) VCF-style: chr20-61471944-G-A.
Other names: c.1915G>A (NM_001853.3); short protein forms G639S.
Identifiers: ClinVar variation 1468119 (VCV001468119.9), dbSNP rs1085307683, ClinGen allele CA409601397.

ClinVar aggregate classification (germline): Uncertain significance. Review status: criteria provided, multiple submitters, no conflicts (2 of 4 stars). 2 submissions from 2 submitters: Uncertain significance (2). Last evaluated 2026-04-02.

Allele frequency attached by ClinVar (database versions not stated): gnomAD exomes 0.00001.
gnomAD v4.1: 6 of 1,612,904 alleles (0.00037%); highest among the groups gnomAD compares: East Asian, 0.0045%; no homozygotes.

Submissions (2):

GeneDx
Classification: Uncertain significance. Last evaluated: 2026-04-02. Review status: criteria provided, single submitter. Criteria: GeneDx Variant Classification Process June 2021. Collection method: clinical testing. Allele origin: germline.
Comment: Not observed at significant frequency in large population cohorts (gnomAD); In silico analysis supports that this missense variant has a deleterious effect on protein structure/function; Has not been previously published as pathogenic or benign to our knowledge

Labcorp Genetics (formerly Invitae), Labcorp
Classification: Uncertain significance. Last evaluated: 2023-07-07. Review status: criteria provided, single submitter. Criteria: Invitae Variant Classification Sherloc (09022015). Collection method: clinical testing. Allele origin: germline.
Comment: This variant is present in population databases (no rsID available, gnomAD 0.01%). This sequence change replaces glycine, which is neutral and non-polar, with serine, which is neutral and polar, at codon 639 of the COL9A3 protein (p.Gly639Ser). This variant has not been reported in the literature in individuals affected with COL9A3-related conditions. In summary, the available evidence is currently insufficient to determine the role of this variant in disease. Therefore, it has been classified as a Variant of Uncertain Significance. Advanced modeling of protein sequence and biophysical properties (such as structural, functional, and spatial information, amino acid conservation, physicochemical variation, residue mobility, and thermodynamic stability) performed at Invitae indicates that this missense variant is expected to disrupt COL9A3 protein function. ClinVar contains an entry for this variant (Variation ID: 1468119).